The following is an entry in ClinVar:

ClinVar aggregate classification (germline): Pathogenic. Review status: criteria provided, multiple submitters, no conflicts (2 of 4 stars). 2 submissions from 2 submitters: Pathogenic (2). Last evaluated 2025-01-10.

Conditions:
Hereditary nonpolyposis colon cancer (HNPCC). Also called: Hereditary nonpolyposis colorectal cancer; Familial nonpolyposis colon cancer; Hereditary Nonpolyposis Colorectal Cancer Syndrome. Identifiers: Orphanet 443909, MedGen C1333990, MONDO:0018630. Disease mechanism: loss of function.
Hereditary cancer-predisposing syndrome. Also called: Tumor predisposition; Neoplastic Syndromes, Hereditary; Hereditary Cancer Syndrome; Hereditary neoplastic syndrome. Identifiers: Orphanet 140162, MedGen C0027672, MeSH D009386, MONDO:0015356.

Submissions (2):

Women's Health and Genetics/Laboratory Corporation of America, LabCorp
Classification: Pathogenic for Hereditary nonpolyposis colon cancer. Last evaluated: 2025-01-10. Review status: criteria provided, single submitter. Criteria: LabCorp Variant Classification Summary - May 2015. Collection method: clinical testing. Allele origin: germline.
Comment: Variant summary: PMS2 c.1010delC (p.Thr337IlefsX19) results in a premature termination codon, predicted to cause a truncation of the encoded protein or absence of the protein due to nonsense mediated decay, which are commonly known mechanisms for disease. The variant was absent in 250836 control chromosomes (gnomAD). To our knowledge, no occurrence of c.1010delC in individuals affected with Hereditary Nonpolyposis Colorectal Cancer and no experimental evidence demonstrating its impact on protein function have been reported. ClinVar contains an entry for this variant (Variation ID: 1727711). Based on the evidence outlined above, the variant was classified as pathogenic.

Ambry Genetics
Classification: Pathogenic for Hereditary cancer-predisposing syndrome. Last evaluated: 2022-05-31. Review status: criteria provided, single submitter. Criteria: Ambry Variant Classification Scheme 2023. Collection method: clinical testing. Allele origin: germline.
Comment: The c.1010delC pathogenic mutation, located in coding exon 10 of the PMS2 gene, results from a deletion of one nucleotide at nucleotide position 1010, causing a translational frameshift with a predicted alternate stop codon (p.T337Ifs*19). This variant is considered to be rare based on population cohorts in the Genome Aggregation Database (gnomAD). This alteration is expected to result in loss of function by premature protein truncation or nonsense-mediated mRNA decay. As such, this alteration is interpreted as a disease-causing mutation.

NM_000535.7(PMS2):c.1010del (p.Thr337fs)

Gene: PMS2 (PMS1 homolog 2, mismatch repair system component; minus strand). Cytogenetic location: 7p22.1.
Variant type: Deletion.
Coding change: c.1010del on transcript NM_000535.7 (MANE Select); coding-DNA position 1010, one base deleted (C; older notation c.1010delC).
Protein change: p.Thr337fs; shifts the reading frame from threonine 337.
Molecular consequence: frameshift variant. On other transcripts: non-coding transcript variant (1), intron variant (2).
Genome position (GRCh38, 1-based): chr7:5,989,934, G deleted on the plus strand (C on the coding strand, the reverse complement: PMS2 is on the minus strand). VCF-style (leftmost placement, unchanged base first): chr7-5989933-AG-A. GRCh37 (hg19) VCF-style: chr7-6029564-AG-A.
Other names: c.605delC, p.Thr202Ilefs (NM_001018040.1, NM_001406887.1, NM_001406888.1 and 13 more transcripts); c.605del, p.Thr202fs (NM_001322003.2, NM_001322004.2, NM_001322005.2 and 1 more transcripts); c.692del, p.Thr231fs (NM_001322007.2, NM_001322008.2); c.77del, p.Thr26fs (NM_001322011.2, NM_001322012.2); c.437del, p.Thr146fs (NM_001322013.2); c.1010del, p.Thr337fs (NM_001322014.2); c.701del, p.Thr234fs (NM_001322015.2); c.1196delC, p.Thr399Ilefs (NM_001406866.1); and 15 more; short protein forms T234fs, T337fs, T146fs, T202fs, T26fs, T231fs.
Identifiers: ClinVar variation 1727711 (VCV001727711.4), dbSNP rs2535939866, ClinGen allele CA2580076761.